The following is an entry in ClinVar:

ClinVar aggregate classification (germline): Pathogenic. Review status: criteria provided, multiple submitters, no conflicts (2 of 4 stars). 2 submissions from 2 submitters: Pathogenic (2). Last evaluated 2022-03-27.

Conditions:
Kabuki syndrome. Also called: Kabuki make-up syndrome; NIIKAWA-KUROKI SYNDROME. Identifiers: Orphanet 2322, MedGen C0796004, MONDO:0016512.

Submissions (2):

Labcorp Genetics (formerly Invitae), Labcorp
Classification: Pathogenic for Kabuki syndrome. Last evaluated: 2022-03-27. Review status: criteria provided, single submitter. Criteria: Invitae Variant Classification Sherloc (09022015). Collection method: clinical testing. Allele origin: germline.
Comment: For these reasons, this variant has been classified as Pathogenic. ClinVar contains an entry for this variant (Variation ID: 453057). This variant has not been reported in the literature in individuals affected with KMT2D-related conditions. This variant is not present in population databases (gnomAD no frequency). This sequence change creates a premature translational stop signal (p.Ser1037Profs*30) in the KMT2D gene. It is expected to result in an absent or disrupted protein product. Loss-of-function variants in KMT2D are known to be pathogenic (PMID: 22126750).

GeneDx
Classification: Pathogenic. Last evaluated: 2017-10-19. Review status: criteria provided, single submitter. Criteria: GeneDx Variant Classification (06012015). Collection method: clinical testing. Allele origin: germline. Affected: yes.
Comment: The c.3109_3110delTC variant in the KMT2D gene has not been reported previously as a pathogenic variant nor as a benign variant, to our knowledge. The variant causes a frameshift starting with codon Serine 1037, changes this amino acid to a Proline residue, and creates a premature Stop codon at position 30 of the new reading frame, denoted p.Ser1037ProfsX30. This variant is predicted to cause loss of normal protein function either through protein truncation or nonsense-mediated mRNA decay. The c.3109_3110delTC variant is not observed in large population cohorts (Lek et al., 2016). We interpret c.3109_3110delTC as a pathogenic variant.

Literature cited by the submitters: PubMed 22126750 (cited by Labcorp Genetics (formerly Invitae), Labcorp).

NM_003482.4(KMT2D):c.3109_3110del (p.Ser1037fs)

Gene: KMT2D (lysine methyltransferase 2D; minus strand). Cytogenetic location: 12q13.12.
Variant type: Deletion.
Coding change: c.3109_3110del on transcript NM_003482.4 (MANE Select); coding-DNA positions 3109 to 3110, 2 bases deleted (TC; older notation c.3109_3110delTC).
Protein change: p.Ser1037fs; shifts the reading frame from serine 1037.
Molecular consequence: frameshift variant.
Genome position (GRCh38, 1-based): chr12:49,050,478-49,050,479, GA deleted on the plus strand (TC on the coding strand, the reverse complement: KMT2D is on the minus strand); deleting any 2 consecutive bases within chr12:49,050,478-49,050,480 gives the same sequence; the c. name uses the placement nearest the transcript's 3' end. VCF-style (leftmost placement, unchanged base first): chr12-49050477-GGA-G. GRCh37 (hg19) VCF-style: chr12-49444260-GGA-G.
Other names: c.3109_3110delTC (NM_003482.3); short protein forms S1037fs.
Identifiers: ClinVar variation 453057 (VCV000453057.6), dbSNP rs1555196415, ClinGen allele CA658658148.
Genomic context (GRCh38, chr12:49,050,477, plus strand): 5'-GGGACTCAACGGGGAGGGAACGGACAGTGGTAGGGCAGGAGGAGAGCACTGGGAAGGAGG[GGA>G]GTTTTGGGGAACCAGGGAATGCTGAAGGAGTGGCGAACACTGAGGAGGAAGGGGCTCCAT-3'